The following is an entry in ClinVar:

NM_020822.3(KCNT1):c.1870T>C (p.Tyr624His)

Gene: KCNT1 (potassium sodium-activated channel subfamily T member 1; plus strand). Cytogenetic location: 9q34.3.
Variant type: single nucleotide variant.
Coding change: c.1870T>C on transcript NM_020822.3 (MANE Select); coding-DNA position 1870, T replaced by C.
Protein change: p.Tyr624His; replaces tyrosine 624 with histidine.
Molecular consequence: missense variant.
Genome position (GRCh38, 1-based): chr9:135,770,957, T>C. VCF-style: chr9-135770957-T-C. GRCh37 (hg19) VCF-style: chr9-138662803-T-C.
Other names: c.1735T>C, p.Tyr579His (NM_001272003.2); short protein forms Y579H, Y624H.
Identifiers: ClinVar variation 1025427 (VCV001025427.9), dbSNP rs1832714833, ClinGen allele CA375508377.

ClinVar aggregate classification (germline): Uncertain significance (1 of 4 stars; one submission).

Conditions:
Autosomal dominant nocturnal frontal lobe epilepsy 5. Also called: KCNT1-Related Epilepsy; CILIARY DYSKINESIA, PRIMARY, 28, WITHOUT SITUS INVERSUS; CILIARY DYSKINESIA, PRIMARY, 28, WITH SITUS INVERSUS; Epilepsy, nocturnal frontal lobe, 5. Identifiers: Orphanet 98784, MedGen C3554306, MONDO:0014002, OMIM 615005.
Developmental and epileptic encephalopathy, 14 (DEE14). Also called: Early infantile epileptic encephalopathy 14. Identifiers: Orphanet 293181, MedGen C3554195, MONDO:0013989, OMIM 614959.

Submission:

Labcorp Genetics (formerly Invitae), Labcorp
Classification: Uncertain significance for Autosomal dominant nocturnal frontal lobe epilepsy 5; Developmental and epileptic encephalopathy, 14. Last evaluated: 2020-02-27. Review status: criteria provided, single submitter. Criteria: Invitae Variant Classification Sherloc (09022015). Collection method: clinical testing. Allele origin: germline.
Comment: This sequence change replaces tyrosine with histidine at codon 624 of the KCNT1 protein (p.Tyr624His). The tyrosine residue is highly conserved and there is a moderate physicochemical difference between tyrosine and histidine. This variant is not present in population databases (ExAC no frequency). This variant has not been reported in the literature in individuals with KCNT1-related conditions. Algorithms developed to predict the effect of missense changes on protein structure and function are either unavailable or do not agree on the potential impact of this missense change (SIFT: "Deleterious"; PolyPhen-2: "Possibly Damaging"; Align-GVGD: "Class C0"). In summary, the available evidence is currently insufficient to determine the role of this variant in disease. Therefore, it has been classified as a Variant of Uncertain Significance.